The following is an entry in ClinVar:

NM_182493.3(MYLK3):c.862G>A (p.Ala288Thr)

Gene: MYLK3 (myosin light chain kinase 3; minus strand). Cytogenetic location: 16q11.2.
Variant type: single nucleotide variant.
Coding change: c.862G>A on transcript NM_182493.3 (MANE Select); coding-DNA position 862, G replaced by A.
Protein change: p.Ala288Thr; replaces alanine 288 with threonine.
Molecular consequence: missense variant. On other transcripts: intron variant (1).
Genome position (GRCh38, 1-based): chr16:46,737,850, C>T on the plus strand (G>A on the coding strand, the complement: MYLK3 is on the minus strand). VCF-style: chr16-46737850-C-T. GRCh37 (hg19) VCF-style: chr16-46771762-C-T.
Other names: c.-23+2207G>A (NM_001308301.1); short protein forms A288T.
Identifiers: ClinVar variation 1955112 (VCV001955112.5), dbSNP rs150370594, ClinGen allele CA8038131.

ClinVar aggregate classification (germline): Uncertain significance (1 of 4 stars; one submission).

Allele frequency attached by ClinVar (database versions not stated): ExAC 0.00001; ESP Exome Variant Server 0.00008; gnomAD exomes 0.00001.
gnomAD v4.1: 13 of 1,614,006 alleles (0.00081%); highest among the groups gnomAD compares: Non-Finnish European, 0.0011%; no homozygotes.

Submission:

Labcorp Genetics (formerly Invitae), Labcorp
Classification: Uncertain significance. Last evaluated: 2025-10-29. Review status: criteria provided, single submitter. Criteria: Invitae Variant Classification Sherloc (09022015). Collection method: clinical testing. Allele origin: germline.
Comment: This sequence change replaces alanine, which is neutral and non-polar, with threonine, which is neutral and polar, at codon 288 of the MYLK3 protein (p.Ala288Thr). This variant is not present in population databases (gnomAD no frequency). This variant has not been reported in the literature in individuals affected with MYLK3-related conditions. ClinVar contains an entry for this variant (Variation ID: 1955112). An algorithm developed to predict the effect of missense changes on protein structure and function outputs the following: PolyPhen-2: "Benign". The threonine amino acid residue is found in multiple mammalian species, which suggests that this missense change does not adversely affect protein function. In summary, the available evidence is currently insufficient to determine the role of this variant in disease. Therefore, it has been classified as a Variant of Uncertain Significance.